The following is an entry in ClinVar:

NM_000038.6(APC):c.5459C>G (p.Ser1820Cys)

Gene: APC (APC regulator of Wnt signaling pathway; plus strand). Cytogenetic location: 5q22.2.
Variant type: single nucleotide variant.
Coding change: c.5459C>G on transcript NM_000038.6 (MANE Select); coding-DNA position 5459, C replaced by G.
Protein change: p.Ser1820Cys; replaces serine 1820 with cysteine.
Molecular consequence: missense variant.
Genome position (GRCh38, 1-based): chr5:112,841,053, C>G. VCF-style: chr5-112841053-C-G. GRCh37 (hg19) VCF-style: chr5-112176750-C-G.
Other names: c.5459C>G, p.Ser1820Cys (NM_001127510.3, NM_001354895.2); c.5405C>G, p.Ser1802Cys (NM_001127511.3); c.5513C>G, p.Ser1838Cys (NM_001354896.2); c.5489C>G, p.Ser1830Cys (NM_001354897.2); c.5384C>G, p.Ser1795Cys (NM_001354898.2); c.5375C>G, p.Ser1792Cys (NM_001354899.2); c.5336C>G, p.Ser1779Cys (NM_001354900.2); c.5282C>G, p.Ser1761Cys (NM_001354901.2); and 5 more; short protein forms S1802C, S1820C, S1761C, S1779C, S1830C, S1537C, S1792C, S1660C.
Identifiers: ClinVar variation 411338 (VCV000411338.17), dbSNP rs879367927, ClinGen allele CA16033275.

ClinVar aggregate classification (germline): Uncertain significance. Review status: criteria provided, multiple submitters, no conflicts (2 of 4 stars). 5 submissions from 5 submitters: Uncertain significance (4). 1 of the submissions does not count toward it. Last evaluated 2025-04-07.

Conditions:
Classic or attenuated familial adenomatous polyposis. Identifiers: MedGen CN372698, MONDO:0021057.
Familial adenomatous polyposis 1 (FAP1). Also called: FAMILIAL ADENOMATOUS POLYPOSIS 1, ATTENUATED; POLYPOSIS, ADENOMATOUS INTESTINAL. Identifiers: MedGen C2713442, MONDO:0021056, OMIM 175100. Disease mechanism: loss of function.
APC-related disorder. Also called: APC-related condition.
Hereditary cancer-predisposing syndrome. Also called: Tumor predisposition; Hereditary Cancer Syndrome; Hereditary neoplastic syndrome; Neoplastic Syndromes, Hereditary. Identifiers: Orphanet 140162, MedGen C0027672, MeSH D009386, MONDO:0015356.

Submissions (5):

Ambry Genetics
Classification: Uncertain significance for Hereditary cancer-predisposing syndrome. Last evaluated: 2025-04-07. Review status: criteria provided, single submitter. Criteria: Ambry Variant Classification Scheme 2023. Collection method: clinical testing. Allele origin: germline.
Comment: The p.S1820C variant (also known as c.5459C>G), located in coding exon 15 of the APC gene, results from a C to G substitution at nucleotide position 5459. The serine at codon 1820 is replaced by cysteine, an amino acid with dissimilar properties. Missense alterations in APC are not a common cause of disease (Spier I et al. Genet Med. 2024 Feb;26(2):100992). This amino acid position is not well conserved in available vertebrate species. In addition, in silico predictors for this gene do not accurately predict pathogenicity. Based on the available evidence, the clinical significance of this variant remains unclear.

All of Us Research Program, National Institutes of Health
Classification: Uncertain significance for Classic or attenuated familial adenomatous polyposis. Last evaluated: 2024-08-06. Review status: criteria provided, single submitter. Criteria: ACMG Guidelines, 2015. Collection method: clinical testing. Allele origin: germline. Inheritance: Autosomal dominant inheritance. Observed: 1 variant allele, 1 heterozygote.
Comment: This study involves interpretation of variants in research participants for the purpose of population health screening. Participant phenotype was not available at the time of variant classification. Additional details can be found in publication PMID: 35346344, PMCID: PMC8962531

Baylor Genetics
Classification: Uncertain significance for Familial adenomatous polyposis 1. Last evaluated: 2023-09-01. Review status: criteria provided, single submitter. Criteria: ACMG Guidelines, 2015. Collection method: clinical testing. Allele origin: unknown.

Labcorp Genetics (formerly Invitae), Labcorp
Classification: Uncertain significance for Familial adenomatous polyposis 1. Last evaluated: 2020-03-01. Review status: criteria provided, single submitter. Criteria: Invitae Variant Classification Sherloc (09022015). Collection method: clinical testing. Allele origin: germline.
Comment: In summary, this variant is a novel missense change with uncertain impact on protein function. It has been classified as a Variant of Uncertain Significance. Algorithms developed to predict the effect of missense changes on protein structure and function do not agree on the potential impact of this missense change (SIFT: "Deleterious"; PolyPhen-2: "Benign"; Align-GVGD: "Class C15"). This variant is not present in population databases (ExAC no frequency) and has not been reported in the literature in individuals with an APC-related disease. This sequence change replaces serine with cysteine at codon 1820 of the APC protein (p.Ser1820Cys). The serine residue is highly conserved and there is a moderate physicochemical difference between serine and cysteine.

PreventionGenetics, part of Exact Sciences
Classification: Uncertain significance for APC-related condition. Last evaluated: 2024-08-15. Review status: no assertion criteria provided. Collection method: clinical testing. Allele origin: germline. Not counted in ClinVar's aggregate classification.
Comment: The APC c.5459C>G variant is predicted to result in the amino acid substitution p.Ser1820Cys. To our knowledge, this variant has not been reported in the literature or in gnomAD, indicating this variant is rare. This variant is classified as a variant of uncertain significance in ClinVar. At this time, the clinical significance of this variant is uncertain due to the absence of conclusive functional and genetic evidence.